The following is an entry in ClinVar:

ClinVar aggregate classification (germline): Uncertain significance (1 of 4 stars; one submission).

Conditions:
Cardiovascular phenotype. Identifiers: MedGen CN230736.

gnomAD v4.1: 2 of 1,614,004 alleles (0.00012%); highest among the groups gnomAD compares: Admixed American, 0.0033%; no homozygotes.

Submission:

Ambry Genetics
Classification: Uncertain significance for Cardiovascular phenotype. Last evaluated: 2023-05-27. Review status: criteria provided, single submitter. Criteria: Ambry Variant Classification Scheme 2023. Collection method: clinical testing. Allele origin: germline.
Comment: The p.F3730Y variant (also known as c.11189T>A), located in coding exon 26 of the APOB gene, results from a T to A substitution at nucleotide position 11189. The phenylalanine at codon 3730 is replaced by tyrosine, an amino acid with highly similar properties. This amino acid position is conserved. In addition, this alteration is predicted to be tolerated by in silico analysis. Since supporting evidence is limited at this time, the clinical significance of this alteration remains unclear.

NM_000384.3(APOB):c.11189T>A (p.Phe3730Tyr)

Gene: APOB (apolipoprotein B; minus strand). Cytogenetic location: 2p24.1.
Variant type: single nucleotide variant.
Coding change: c.11189T>A on transcript NM_000384.3 (MANE Select); coding-DNA position 11189, T replaced by A.
Protein change: p.Phe3730Tyr; replaces phenylalanine 3730 with tyrosine.
Molecular consequence: missense variant.
Genome position (GRCh38, 1-based): chr2:21,005,679, A>T on the plus strand (T>A on the coding strand, the complement: APOB is on the minus strand). VCF-style: chr2-21005679-A-T. GRCh37 (hg19) VCF-style: chr2-21228551-A-T.
Other names: short protein forms F3730Y.
Identifiers: ClinVar variation 2565878 (VCV002565878.2), dbSNP rs1417745803, ClinGen allele CA345980745.